The following is an entry in ClinVar:

ClinVar aggregate classification (germline): Uncertain significance. Review status: criteria provided, multiple submitters, no conflicts (2 of 4 stars). 2 submissions from 2 submitters: Uncertain significance (2). Last evaluated 2026-05-13.

Conditions:
Hereditary cancer-predisposing syndrome. Also called: Hereditary Cancer Syndrome; Neoplastic Syndromes, Hereditary; Tumor predisposition; Hereditary neoplastic syndrome. Identifiers: Orphanet 140162, MedGen C0027672, MeSH D009386, MONDO:0015356.
Birt-Hogg-Dube syndrome. Also called: Birt Hogg Dubé syndrome. Identifiers: Orphanet 122, MedGen C0346010, MONDO:0800444.

Submissions (2):

Ambry Genetics
Classification: Uncertain significance for Hereditary cancer-predisposing syndrome. Last evaluated: 2026-05-13. Review status: criteria provided, single submitter. Criteria: Ambry Variant Classification Scheme 2023. Collection method: clinical testing. Allele origin: germline.
Comment: The p.A358T variant (also known as c.1072G>A), located in coding exon 7 of the FLCN gene, results from a G to A substitution at nucleotide position 1072. The alanine at codon 358 is replaced by threonine, an amino acid with similar properties. This amino acid position is highly conserved in available vertebrate species. In addition, this alteration is predicted to be tolerated by in silico analysis. Based on the available evidence, the clinical significance of this variant remains unclear.

Labcorp Genetics (formerly Invitae), Labcorp
Classification: Uncertain significance for Birt-Hogg-Dube syndrome. Last evaluated: 2019-05-12. Review status: criteria provided, single submitter. Criteria: Invitae Variant Classification Sherloc (09022015). Collection method: clinical testing. Allele origin: germline.
Comment: In summary, the available evidence is currently insufficient to determine the role of this variant in disease. Therefore, it has been classified as a Variant of Uncertain Significance. Algorithms developed to predict the effect of missense changes on protein structure and function (SIFT, PolyPhen-2, Align-GVGD) all suggest that this variant is likely to be tolerated, but these predictions have not been confirmed by published functional studies and their clinical significance is uncertain. This variant has not been reported in the literature in individuals with FLCN-related conditions. This variant is not present in population databases (ExAC no frequency). This sequence change replaces alanine with threonine at codon 358 of the FLCN protein (p.Ala358Thr). The alanine residue is moderately conserved and there is a small physicochemical difference between alanine and threonine.

NM_144997.7(FLCN):c.1072G>A (p.Ala358Thr)

Gene: FLCN (folliculin; minus strand). Cytogenetic location: 17p11.2.
Variant type: single nucleotide variant.
Coding change: c.1072G>A on transcript NM_144997.7 (MANE Select); coding-DNA position 1072, G replaced by A.
Protein change: p.Ala358Thr; replaces alanine 358 with threonine.
Molecular consequence: missense variant.
Genome position (GRCh38, 1-based): chr17:17,217,173, C>T on the plus strand (G>A on the coding strand, the complement: FLCN is on the minus strand). VCF-style: chr17-17217173-C-T. GRCh37 (hg19) VCF-style: chr17-17120487-C-T.
Other names: c.1126G>A, p.Ala376Thr (NM_001353229.2); c.1072G>A, p.Ala358Thr (NM_001353230.2, NM_001353231.2); short protein forms A376T, A358T.
Identifiers: ClinVar variation 946391 (VCV000946391.8), dbSNP rs2046951963, ClinGen allele CA398532390.